The following is an entry in ClinVar:

ClinVar aggregate classification (germline): Pathogenic/Likely pathogenic. Review status: criteria provided, multiple submitters, no conflicts (2 of 4 stars). 2 submissions from 2 submitters: Pathogenic (1); Likely pathogenic (1). Last evaluated 2022-10-08.

Conditions:
Snijders Blok-Campeau syndrome. Also called: INTELLECTUAL DEVELOPMENTAL DISORDER WITH MACROCEPHALY, SPEECH DELAY, AND DYSMORPHIC FACIES. Identifiers: Orphanet 599082, MedGen C4748701, MONDO:0032600, OMIM 618205.

Submissions (2):

New York Genome Center
Classification: Likely pathogenic for Snijders Blok-Campeau syndrome. Last evaluated: 2022-10-08. Review status: criteria provided, single submitter. Criteria: NYGC Assertion Criteria 2020. Collection method: clinical testing. Allele origin: de novo. Affected: yes. Observed: 1 heterozygote. Study: PrenatalSEQ.
Comment: The de novo c.2656C>G, p.(His886Asp) variant identified in CHD3 substitutes a very well conserved Histidine with Aspartic Acid at amino acid 886/2001 (exon 16/40). This variant is absent from population databases (gnomADv2.1, gnomADv3.1.2, BRAVO-TOPMed Freeze 8, All of Us) suggesting it is not a common benign variant in the populations represented in those databases. The CHD3 gene is constrained against benign missense variation (Missense z-score=6.15), as well as loss of function variation (pLI=1). In silico algorithms predict this variant to be Pathogenic (REVEL; score:0.9649) to the function of the canonical transcript. The p.His886 residue is within the Helicase ATP-binding domain of CHD3 [PMID:30397230, 32483341]. This variant is reported as Pathogenic in ClinVar (VarID:1073248, 1 star, 1 submission), and two additional variants at the same amino acid (p.(His886Tyr); VarID:1333400 and p.(His886Arg); VarID:549729) are reported as Likely Pathogenic. While the p.(His886Asp) variant identified here has not been reported in affected individuals in the literature, a different amino acid change at the same position (p.(His886Arg)) has been reported in 3 independent affected individuals in the literature [PMID:30397230, 32483341, 33571694]. Given its absence in population databases, observation de novo here, in silico prediction of pathogenicity, and the presence of a different pathogenic variant at the same amino acid position, the c.2656C>G, p.(His886Asp) variant identified is reported as Likely Pathogenic.

Labcorp Genetics (formerly Invitae), Labcorp
Classification: Pathogenic. Last evaluated: 2021-09-07. Review status: criteria provided, single submitter. Criteria: Invitae Variant Classification Sherloc (09022015). Collection method: clinical testing. Allele origin: germline.

NM_001005273.3(CHD3):c.2656C>G (p.His886Asp)

Gene: CHD3 (chromodomain helicase DNA binding protein 3; plus strand). Cytogenetic location: 17p13.1.
Variant type: single nucleotide variant.
Coding change: c.2656C>G on transcript NM_001005273.3 (MANE Select); coding-DNA position 2656, C replaced by G.
Protein change: p.His886Asp; replaces histidine 886 with aspartic acid.
Molecular consequence: missense variant.
Genome position (GRCh38, 1-based): chr17:7,900,007, C>G. VCF-style: chr17-7900007-C-G. GRCh37 (hg19) VCF-style: chr17-7803325-C-G.
Other names: c.2833C>G, p.His945Asp (NM_001005271.3); c.2656C>G, p.His886Asp (NM_005852.4); short protein forms H886D, H945D.
Identifiers: ClinVar variation 1073248 (VCV001073248.5), dbSNP rs2151569587, ClinGen allele CA397940012.